The following is an entry in ClinVar:

ClinVar aggregate classification (germline): Uncertain significance (1 of 4 stars; one submission).

Conditions:
Weaver syndrome (WVS). Also called: Weaver Smith syndrome; Overgrowth syndrome with accelerated skeletal maturation, unusual facies, and camptodactyly. Identifiers: Orphanet 3447, MedGen C0265210, MONDO:0010193, OMIM 277590.

Allele frequency attached by ClinVar (database versions not stated): ExAC 0.00001; gnomAD 0.00001.
gnomAD v4.1: 2 of 1,614,064 alleles (0.00012%); highest among the groups gnomAD compares: Non-Finnish European, 0.000085%; no homozygotes.

Submission:

Labcorp Genetics (formerly Invitae), Labcorp
Classification: Uncertain significance for Weaver syndrome. Last evaluated: 2025-12-10. Review status: criteria provided, single submitter. Criteria: Invitae Variant Classification Sherloc (09022015). Collection method: clinical testing. Allele origin: germline.
Comment: This sequence change replaces leucine, which is neutral and non-polar, with valine, which is neutral and non-polar, at codon 591 of the EZH2 protein (p.Leu591Val). This variant is present in population databases (rs761834990, gnomAD 0.0009%). This variant has not been reported in the literature in individuals affected with EZH2-related conditions. ClinVar contains an entry for this variant (Variation ID: 2097000). Invitae Evidence Modeling of protein sequence and biophysical properties (such as structural, functional, and spatial information, amino acid conservation, physicochemical variation, residue mobility, and thermodynamic stability) indicates that this missense variant is not expected to disrupt EZH2 protein function with a negative predictive value of 80%. In summary, the available evidence is currently insufficient to determine the role of this variant in disease. Therefore, it has been classified as a Variant of Uncertain Significance.

NM_004456.5(EZH2):c.1771C>G (p.Leu591Val)

Gene: EZH2 (enhancer of zeste 2 polycomb repressive complex 2 subunit; minus strand). Cytogenetic location: 7q36.1.
Variant type: single nucleotide variant.
Coding change: c.1771C>G on transcript NM_004456.5 (MANE Select); coding-DNA position 1771, C replaced by G.
Protein change: p.Leu591Val; replaces leucine 591 with valine.
Molecular consequence: missense variant.
Genome position (GRCh38, 1-based): chr7:148,814,039, G>C on the plus strand (C>G on the coding strand, the complement: EZH2 is on the minus strand). VCF-style: chr7-148814039-G-C. GRCh37 (hg19) VCF-style: chr7-148511131-G-C.
Other names: c.1756C>G, p.Leu586Val (NM_001203247.2); c.1729C>G, p.Leu577Val (NM_001203248.2); c.1603C>G, p.Leu535Val (NM_001203249.2); c.1639C>G, p.Leu547Val (NM_152998.3); short protein forms L591V, L586V, L547V, L535V, L577V.
Identifiers: ClinVar variation 2097000 (VCV002097000.4), dbSNP rs761834990, ClinGen allele CA4547798.